The following is an entry in ClinVar:

ClinVar aggregate classification (germline): Uncertain significance (1 of 4 stars; one submission).

Conditions:
Baraitser-Winter syndrome 1 (BRWS1). Also called: PACHYGYRIA, MENTAL RETARDATION, EPILEPSY, AND CHARACTERISTIC FACIES; MENTAL RETARDATION WITH EPILEPSY AND CHARACTERISTIC FACIES; Cerebrofrontofacial syndrome; BARAITSER-WINTER SYNDROME 1, ATYPICAL. Identifiers: Orphanet 2649, Orphanet 2995, MedGen C1855722, MONDO:0009470, OMIM 243310.

Submission:

Institute of Human Genetics, University of Leipzig Medical Center
Classification: Uncertain significance for Baraitser-Winter syndrome 1. Last evaluated: 2025-03-04. Review status: criteria provided, single submitter. Criteria: ACMG Guidelines, 2015. Collection method: clinical testing. Allele origin: unknown. Inheritance: Autosomal dominant inheritance. Affected: yes.
Comment: Criteria applied: PM2,PM1_SUP,PP2,PP3

NM_001614.5(ACTG1):c.361C>G (p.Gln121Glu)

Gene: ACTG1 (actin gamma 1; minus strand). Cytogenetic location: 17q25.3.
Variant type: single nucleotide variant.
Coding change: c.361C>G on transcript NM_001614.5 (MANE Select); coding-DNA position 361, C replaced by G.
Protein change: p.Gln121Glu; replaces glutamine 121 with glutamic acid.
Molecular consequence: missense variant. On other transcripts: non-coding transcript variant (1).
Genome position (GRCh38, 1-based): chr17:81,511,905, G>C on the plus strand (C>G on the coding strand, the complement: ACTG1 is on the minus strand). VCF-style: chr17-81511905-G-C. GRCh37 (hg19) VCF-style: chr17-79478931-G-C.
Other names: c.361C>G, p.Gln121Glu (NM_001199954.3); short protein forms Q121E.
Identifiers: ClinVar variation 3773681 (VCV003773681.2).